The following is an entry in ClinVar:

NC_000002.11:g.(?_48032029)_(48032856_?)del

Gene: MSH6 (mutS homolog 6; plus strand). Cytogenetic location: 2p16.3.
Variant type: Deletion.
Identifiers: ClinVar variation 3247077 (VCV003247077.1).

ClinVar aggregate classification (germline): Pathogenic (1 of 4 stars; one submission).

Conditions:
Hereditary nonpolyposis colorectal neoplasms. Identifiers: MedGen C0009405, MeSH D003123.

Submission:

Labcorp Genetics (formerly Invitae), Labcorp
Classification: Pathogenic for Hereditary nonpolyposis colorectal neoplasms. Last evaluated: 2024-01-15. Review status: criteria provided, single submitter. Criteria: Invitae Variant Classification Sherloc (09022015). Collection method: clinical testing. Allele origin: unknown.
Comment: This variant is a gross deletion of the genomic region encompassing exon(s) 6-7 of the MSH6 gene. This deletion is out-of-frame, and is expected to create a premature termination codon and result in an absent or disrupted protein product. Loss-of-function variants in MSH6 are known to be pathogenic (PMID: 18269114, 24362816). This variant has not been reported in the literature in individuals affected with MSH6-related conditions. For these reasons, this variant has been classified as Pathogenic.

Literature cited by the submitters: PubMed 18269114; PubMed 24362816.